The following is an entry in ClinVar:

ClinVar aggregate classification (germline): Likely pathogenic (1 of 4 stars; one submission).

Conditions:
Retinitis pigmentosa 11 (RP11). Identifiers: Orphanet 791, MedGen C1838601, MONDO:0010828, OMIM 600138.

Submission:

Neuberg Centre For Genomic Medicine, NCGM
Classification: Likely pathogenic for Retinitis pigmentosa 11. Last evaluated: 2023-02-14. Review status: criteria provided, single submitter. Criteria: ACMG Guidelines, 2015. Collection method: clinical testing. Allele origin: germline. Inheritance: Autosomal dominant inheritance. Affected: yes.
Comment: The splice acceptor c.239-1G>C variant has not been reported previously as a pathogenic variant nor as a benign variant, to our knowledge. The variant is novel (not in any individuals) in gnomAD Exomes and 1000 Genomes. The variant affects AG acceptor splice site upstream to exon 4. This variant is predicted to cause a loss of normal protein function through protein truncation. Loss of function variants has been previously reported to be disease causing (Rio Frio et al., 2009). For these reasons, this variant has been classified as Likely Pathogenic.

NM_015629.4(PRPF31):c.239-1G>C

Genes: PRPF31 (pre-mRNA processing factor 31; plus strand), PRPF31-AS1 (PRPF31 antisense RNA 1; minus strand). Cytogenetic location: 19q13.42.
Variant type: single nucleotide variant.
Coding change: c.239-1G>C on transcript NM_015629.4 (MANE Select); the canonical splice acceptor site of the intron before coding-DNA position 239, G replaced by C.
Molecular consequence: splice acceptor variant. On other transcripts: non-coding transcript variant (1).
Genome position (GRCh38, 1-based): chr19:54,121,859, G>C. VCF-style: chr19-54121859-G-C. GRCh37 (hg19) VCF-style: chr19-54625238-G-C.
Identifiers: ClinVar variation 2671740 (VCV002671740.1), dbSNP rs2073798309, ClinGen allele CA407749023.
Genomic context (GRCh38, chr19:54,121,859, plus strand): 5'-GCGGGACCCGAGAGGGGGTAGGGATTTAGATACTCACACCCATGCCTCCGTGTCCTCACA[G>C]TGATGGGACCAGTGGAGGCCGCGCCTGAATACCGCGTCATCGTGGATGCCAACAACCTGA-3'